The following is an entry in ClinVar:

ClinVar aggregate classification (germline): Uncertain significance (1 of 4 stars; one submission).

Conditions:
Neurodevelopmental disorder with hypotonia, stereotypic hand movements, and impaired language. Also called: Intellectual disability, autosomal dominant 20. Identifiers: Orphanet 228384, Orphanet 664410, MedGen C3150700, MONDO:0013266, OMIM 613443.

Submission:

Labcorp Genetics (formerly Invitae), Labcorp
Classification: Uncertain significance for Neurodevelopmental disorder with hypotonia, stereotypic hand movements, and impaired language. Last evaluated: 2024-01-27. Review status: criteria provided, single submitter. Criteria: Invitae Variant Classification Sherloc (09022015). Collection method: clinical testing. Allele origin: germline.
Comment: This sequence change replaces proline, which is neutral and non-polar, with histidine, which is basic and polar, at codon 138 of the MEF2C protein (p.Pro138His). This variant is not present in population databases (gnomAD no frequency). This variant has not been reported in the literature in individuals affected with MEF2C-related conditions. Advanced modeling of protein sequence and biophysical properties (such as structural, functional, and spatial information, amino acid conservation, physicochemical variation, residue mobility, and thermodynamic stability) has been performed at Invitae for this missense variant, however the output from this modeling did not meet the statistical confidence thresholds required to predict the impact of this variant on MEF2C protein function. In summary, the available evidence is currently insufficient to determine the role of this variant in disease. Therefore, it has been classified as a Variant of Uncertain Significance.

NM_002397.5(MEF2C):c.413C>A (p.Pro138His)

Gene: MEF2C (myocyte enhancer factor 2C; minus strand). Cytogenetic location: 5q14.3.
Variant type: single nucleotide variant.
Coding change: c.413C>A on transcript NM_002397.5 (MANE Select); coding-DNA position 413, C replaced by A.
Protein change: p.Pro138His; replaces proline 138 with histidine.
Molecular consequence: missense variant. On other transcripts: 5 prime UTR variant (1).
Genome position (GRCh38, 1-based): chr5:88,752,033, G>T on the plus strand (C>A on the coding strand, the complement: MEF2C is on the minus strand). VCF-style: chr5-88752033-G-T. GRCh37 (hg19) VCF-style: chr5-88047850-G-T.
Other names: c.413C>A, p.Pro138His (NM_001364337.2, NM_001364339.2, NM_001364340.2 and 18 more transcripts); c.467C>A, p.Pro156His (NM_001364338.2, NM_001193347.1); c.407C>A, p.Pro136His (NM_001364343.2, NM_001131005.2, NM_001364352.2); c.269C>A, p.Pro90His (NM_001364344.2, NM_001193348.1, NM_001193349.3 and 3 more transcripts); c.35C>A, p.Pro12His (NM_001364353.2, NM_001364356.2); c.-14C>A (NM_001364357.2); short protein forms P156H, P138H, P90H, P12H, P136H.
Identifiers: ClinVar variation 2989535 (VCV002989535.3), dbSNP rs2547871418, ClinGen allele CA360424043.